The following is an entry in ClinVar:

ClinVar aggregate classification (germline): Conflicting classifications of pathogenicity. Review status: criteria provided, conflicting classifications (1 of 4 stars). 29 submissions from 28 submitters: Uncertain significance (2); Benign (11); Likely benign (10). 6 of the submissions do not count toward it. Last evaluated 2026-08-01.

Conditions:
Breast and/or ovarian cancer. Identifiers: MedGen CN221562.
Hereditary cancer-predisposing syndrome. Also called: Neoplastic Syndromes, Hereditary; Tumor predisposition; Hereditary neoplastic syndrome; Hereditary Cancer Syndrome. Identifiers: Orphanet 140162, MedGen C0027672, MeSH D009386, MONDO:0015356.
Fanconi anemia complementation group J. Also called: BRIP1-Related Fanconi Anemia. Identifiers: Orphanet 84, MedGen C1836860, MONDO:0012187, OMIM 609054.
Familial cancer of breast. Also called: Hereditary breast cancer; hereditary breast carcinoma; BREAST CANCER, FAMILIAL. Identifiers: Orphanet 227535, MedGen C0346153, MONDO:0016419, OMIM 114480. Disease mechanism: loss of function.
Ovarian cancer. Also called: OVARIAN CANCER, SOMATIC. Identifiers: Orphanet 213500, MedGen C1140680, MONDO:0008170, OMIM 167000.
Malignant tumor of breast. Also called: Malignant breast neoplasm; Cancer breast. Identifiers: MedGen C0006142, MONDO:0007254. Disease mechanism: loss of function.

Allele frequency attached by ClinVar (database versions not stated): 1000 Genomes Project 30x 0.00156; 1000 Genomes Project 0.00160; gnomAD exomes 0.00261 and 0.00498; ExAC 0.00270; gnomAD 0.00298 and 0.00363; TOPMed 0.00356; ESP Exome Variant Server 0.00361.
gnomAD v4.1: 7,753 of 1,613,594 alleles (0.48%); highest among the groups gnomAD compares: Non-Finnish European, 0.6%; 31 homozygotes.

Submissions 1 to 26 of 29:

CeGaT Center for Human Genetics Tuebingen
Classification: Likely benign. Last evaluated: 2026-08-01. Review status: criteria provided, single submitter. Criteria: CeGaT Center For Human Genetics Tuebingen Variant Classification Criteria Version 2. Collection method: clinical testing. Allele origin: germline. Affected: yes. Observed: 39 variant alleles.
Comment: BRIP1: BS2

Labcorp Genetics (formerly Invitae), Labcorp
Classification: Benign for Familial cancer of breast; Fanconi anemia complementation group J. Last evaluated: 2026-02-04. Review status: criteria provided, single submitter. Criteria: Invitae Variant Classification Sherloc (09022015). Collection method: clinical testing. Allele origin: germline.

ARUP Laboratories, Molecular Genetics and Genomics, ARUP Laboratories
Classification: Likely benign. Last evaluated: 2025-07-23. Review status: criteria provided, single submitter. Criteria: ARUP Molecular Germline Variant Investigation Process 2024. Collection method: clinical testing. Allele origin: germline.

Laboratorio de I+D, Fundación Centro Médico de Asturias
Classification: Benign for Hereditary cancer-predisposing syndrome. Last evaluated: 2025-07-09. Review status: criteria provided, single submitter. Criteria: ACMG Guidelines, 2015. Collection method: clinical testing. Allele origin: germline.
Comment: BS1+BS2+BP1+BP4

Molecular Diagnostics Laboratory, Catalan Institute of Oncology
Classification: Likely benign for Hereditary cancer-predisposing syndrome. Last evaluated: 2025-03-11. Review status: criteria provided, single submitter. Criteria: ACMG Guidelines, 2015. Collection method: clinical testing. Allele origin: germline.
Comment: BS2_Supporting, BP4 c.517C>T, located in exon 6 of the BRIP1 gene, is predicted to result in the substitution of arginine by cysteine at codon 173, p.(Arg173Cys). This variant is found in 691/268164 alleles (and 2 homozygotes) at a frequency of 0.258% in the gnomAD v2.1.1 database, non-cancer dataset (BS2_Supporting). The SpliceAI algorithm predicts no significant impact on splicing and the REVEL meta-predictor score for this variant (0.284) suggests that it does not affect the protein function according Pejaver 2022 thresholds (PMID: 36413997) (BP4). To our knowledge, neither relevant clinical data nor well-stablished functional studies have been reported for this variant. It has been reported in the ClinVar database (10x benign, 12x likely benign, 3x uncertain significance) and in the LOVD database (6x likely benign, 1x uncertain significance). Based on the currently available information, c.517C>T is classified as an uncertain significance variant according to ACMG guidelines.

Center for Genomic Medicine, Rigshospitalet, Copenhagen University Hospital
Classification: Likely benign. Last evaluated: 2025-03-04. Review status: criteria provided, single submitter. Criteria: ACMG Guidelines, 2015. Collection method: clinical testing. Allele origin: germline.

Blueprint Genetics
Classification: Likely benign. Last evaluated: 2024-11-19. Review status: criteria provided, single submitter. Criteria: ACMG Guidelines, 2015. Collection method: clinical testing. Allele origin: germline.

Mayo Clinic Laboratories, Mayo Clinic
Classification: Likely benign. Last evaluated: 2024-10-30. Review status: criteria provided, single submitter. Criteria: ACMG Guidelines, 2015. Collection method: clinical testing. Allele origin: germline. Observed: 9 variant alleles.
Comment: BS1, BP1

KCCC/NGS Laboratory, Kuwait Cancer Control Center
Classification: Benign for Familial cancer of breast. Last evaluated: 2023-07-07. Review status: criteria provided, single submitter. Criteria: ACMG Guidelines, 2015. Collection method: clinical testing. Allele origin: germline. Affected: yes.

CHEO Genetics Diagnostic Laboratory, Children's Hospital of Eastern Ontario
Classification: Benign for Breast and/or ovarian cancer. Last evaluated: 2023-06-29. Review status: criteria provided, single submitter. Criteria: ACMG Guidelines, 2015. Collection method: clinical testing. Allele origin: germline.

Quest Diagnostics Nichols Institute San Juan Capistrano
Classification: Benign. Last evaluated: 2023-06-21. Review status: criteria provided, single submitter. Criteria: Quest Diagnostics criteria. Collection method: clinical testing. Allele origin: unknown.

Myriad Genetics, Inc.
Classification: Benign for Familial cancer of breast. Last evaluated: 2023-03-01. Review status: criteria provided, single submitter. Criteria: Myriad Autosomal Dominant, Autosomal Recessive and X-Linked Classification Criteria (2023). Collection method: clinical testing. Allele origin: unknown.
Comment: This variant is considered benign. This variant has been observed at a population frequency that is significantly greater than expected given the associated disease prevalence and penetrance. Homozygosity for this variant has been confirmed in one or more individuals lacking clinical features consistent with gene-specific recessive disease, indicating that this variant is unlikely to be pathogenic.

Institute for Clinical Genetics, University Hospital TU Dresden, University Hospital TU Dresden
Classification: Likely benign. Last evaluated: 2021-11-03. Review status: criteria provided, single submitter. Criteria: ACMG Guidelines, 2015. Collection method: clinical testing. Allele origin: germline.

Genetic Services Laboratory, University of Chicago
Classification: Benign. Last evaluated: 2021-02-15. Review status: criteria provided, single submitter. Criteria: ACMG Guidelines, 2015. Collection method: clinical testing. Allele origin: germline. Affected: no.

Sema4
Classification: Benign for Hereditary cancer-predisposing syndrome. Last evaluated: 2020-11-04. Review status: criteria provided, single submitter. Criteria: Sema4 Curation Guidelines. Collection method: curation. Allele origin: germline.

Mendelics
Classification: Likely benign for Familial cancer of breast. Last evaluated: 2019-05-28. Review status: criteria provided, single submitter. Criteria: Mendelics Assertion Criteria 2017. Collection method: clinical testing. Allele origin: unknown.

Institute of Human Genetics, University of Leipzig Medical Center
Classification: Uncertain significance for Familial cancer of breast. Last evaluated: 2018-04-18. Review status: criteria provided, single submitter. Criteria: ACMG Guidelines, 2015. Collection method: clinical testing. Allele origin: germline. Affected: yes. Observed: 2 variant alleles.

Illumina Laboratory Services, Illumina
Classification: Uncertain significance for Fanconi anemia complementation group J. Last evaluated: 2017-04-27. Review status: criteria provided, single submitter. Criteria: ICSL Variant Classification Criteria 13 December 2019. Collection method: clinical testing. Allele origin: germline.

PreventionGenetics, part of Exact Sciences
Classification: Benign. Last evaluated: 2017-03-10. Review status: criteria provided, single submitter. Criteria: ACMG Guidelines, 2015. Collection method: clinical testing. Allele origin: germline.

Eurofins Ntd Llc (ga)
Classification: Likely benign. Last evaluated: 2015-06-02. Review status: criteria provided, single submitter. Criteria: EGL Classification Definitions 2015. Collection method: clinical testing. Allele origin: germline. Observed: 1 variant allele, 1 heterozygote.

Color Diagnostics, LLC DBA Color Health
Classification: Likely benign for Hereditary cancer-predisposing syndrome. Last evaluated: 2014-11-20. Review status: criteria provided, single submitter. Criteria: ACMG Guidelines, 2015. Collection method: clinical testing. Allele origin: germline.

Ambry Genetics
Classification: Benign for Hereditary cancer-predisposing syndrome. Last evaluated: 2014-06-18. Review status: criteria provided, single submitter. Criteria: Ambry Variant Classification Scheme 2023. Collection method: clinical testing. Allele origin: germline.

GeneDx
Classification: Benign. Last evaluated: 2013-12-02. Review status: criteria provided, single submitter. Criteria: GeneDx Variant Classification (06012015). Collection method: clinical testing. Allele origin: germline. Affected: yes.
Comment: This variant is considered likely benign or benign based on one or more of the following criteria: it is a conservative change, it occurs at a poorly conserved position in the protein, it is predicted to be benign by multiple in silico algorithms, and/or has population frequency not consistent with disease.

Institute for Biomarker Research, Medical Diagnostic Laboratories, L.L.C.
Classification: Likely benign for Hereditary cancer-predisposing syndrome. Last evaluated: 2021-09-27. Review status: no assertion criteria provided. Collection method: clinical testing. Allele origin: germline. Not counted in ClinVar's aggregate classification.

True Health Diagnostics
Classification: Likely benign for Hereditary cancer-predisposing syndrome. Last evaluated: 2017-10-31. Review status: no assertion criteria provided. Collection method: clinical testing. Allele origin: germline. Not counted in ClinVar's aggregate classification.

Counsyl
Classification: Likely benign for Fanconi anemia complementation group J. Last evaluated: 2016-06-08. Review status: no assertion criteria provided. Collection method: clinical testing. Allele origin: unknown. Not counted in ClinVar's aggregate classification.

NM_032043.3(BRIP1):c.517C>T (p.Arg173Cys)

Gene: BRIP1 (BRCA1 interacting DNA helicase 1; minus strand). Cytogenetic location: 17q23.2.
Variant type: single nucleotide variant.
Coding change: c.517C>T on transcript NM_032043.3 (MANE Select); coding-DNA position 517, C replaced by T.
Protein change: p.Arg173Cys; replaces arginine 173 with cysteine.
Molecular consequence: missense variant.
Genome position (GRCh38, 1-based): chr17:61,847,211, G>A on the plus strand (C>T on the coding strand, the complement: BRIP1 is on the minus strand). VCF-style: chr17-61847211-G-A. GRCh37 (hg19) VCF-style: chr17-59924572-G-A.
Other names: p.R173C:CGT>TGT; short protein forms R173C.
Identifiers: ClinVar variation 133761 (VCV000133761.97), dbSNP rs4988345, ClinGen allele CA157719.